The following is an entry in ClinVar:

ClinVar aggregate classification (germline): Likely benign (1 of 4 stars; one submission).

Allele frequency attached by ClinVar (database versions not stated): gnomAD exomes below 0.00001.
gnomAD v4.1: 1 of 1,614,232 alleles (0.000062%); highest among the groups gnomAD compares: Non-Finnish European, 0.000085%; no homozygotes.

Submission:

CeGaT Center for Human Genetics Tuebingen
Classification: Likely benign. Last evaluated: 2022-10-01. Review status: criteria provided, single submitter. Criteria: CeGaT Center For Human Genetics Tuebingen Variant Classification Criteria Version 2. Collection method: clinical testing. Allele origin: germline. Affected: yes. Observed: 1 variant allele.
Comment: COQ6: BP4, BP7

NM_182476.3(COQ6):c.741C>T (p.Ala247=)

Genes: COQ6 (coenzyme Q6, monooxygenase; plus strand), ENTPD5 (ectonucleoside triphosphate diphosphohydrolase 5; minus strand). Cytogenetic location: 14q24.3.
Variant type: single nucleotide variant.
Coding change: c.741C>T on transcript NM_182476.3 (MANE Select); coding-DNA position 741, C replaced by T.
Protein change: p.Ala247=; no amino-acid change (alanine 247 retained).
Molecular consequence: synonymous variant. On other transcripts: 3 prime UTR variant (3), intron variant (2).
Genome position (GRCh38, 1-based): chr14:73,959,182, C>T. VCF-style: chr14-73959182-C-T. GRCh37 (hg19) VCF-style: chr14-74425885-C-T.
Other names: c.741C>T, p.Ala247= (NM_001425255.1, NM_001425256.1); c.576C>T, p.Ala192= (NM_001425257.1); c.666C>T, p.Ala222= (NM_001425258.1, NM_182480.3); c.516C>T, p.Ala172= (NM_001425259.1, NM_001425260.1, NM_001425261.1); c.486C>T, p.Ala162= (NM_001425262.1); c.414C>T, p.Ala138= (NM_001425263.1); c.201C>T, p.Ala67= (NM_001425264.1, NM_001425265.1); c.*348G>A (NM_001330189.2, NM_001382259.1, NM_001382260.1); and 2 more.
Identifiers: ClinVar variation 2644365 (VCV002644365.22), dbSNP rs1290427342, ClinGen allele CA487264260.